The following is an entry in ClinVar:

ClinVar aggregate classification (germline): Uncertain significance. Review status: criteria provided, multiple submitters, no conflicts (2 of 4 stars). 2 submissions from 2 submitters: Uncertain significance (2). Last evaluated 2026-03-10.

Conditions:
Early-infantile DEE. Also called: Ohtahara syndrome; Early infantile epileptic encephalopathy; Early infantile epileptic encephalopathy with suppression bursts. Identifiers: Orphanet 1934, MedGen C0393706, MONDO:0800491.
Inborn genetic diseases. Identifiers: MedGen C0950123, MeSH D030342.

Submissions (2):

Ambry Genetics
Classification: Uncertain significance for Inborn genetic diseases. Last evaluated: 2026-03-10. Review status: criteria provided, single submitter. Criteria: Ambry Variant Classification Scheme 2023. Collection method: clinical testing. Allele origin: germline.

Labcorp Genetics (formerly Invitae), Labcorp
Classification: Uncertain significance for Early-infantile DEE. Last evaluated: 2023-11-27. Review status: criteria provided, single submitter. Criteria: Invitae Variant Classification Sherloc (09022015). Collection method: clinical testing. Allele origin: germline.
Comment: This sequence change replaces valine, which is neutral and non-polar, with alanine, which is neutral and non-polar, at codon 1411 of the SCN1A protein (p.Val1411Ala). This variant is not present in population databases (gnomAD no frequency). This variant has not been reported in the literature in individuals affected with SCN1A-related conditions. Advanced modeling of protein sequence and biophysical properties (such as structural, functional, and spatial information, amino acid conservation, physicochemical variation, residue mobility, and thermodynamic stability) performed at Invitae indicates that this missense variant is expected to disrupt SCN1A protein function with a positive predictive value of 95%. In summary, the available evidence is currently insufficient to determine the role of this variant in disease. Therefore, it has been classified as a Variant of Uncertain Significance.

NM_001165963.4(SCN1A):c.4232T>C (p.Val1411Ala)

Genes: SCN1A (sodium voltage-gated channel alpha subunit 1; minus strand), LOC102724058 (uncharacterized LOC102724058; plus strand). Cytogenetic location: 2q24.3.
Variant type: single nucleotide variant.
Coding change: c.4232T>C on transcript NM_001165963.4 (MANE Select); coding-DNA position 4232, T replaced by C.
Protein change: p.Val1411Ala; replaces valine 1411 with alanine.
Molecular consequence: missense variant. On other transcripts: non-coding transcript variant (1).
Genome position (GRCh38, 1-based): chr2:166,002,524, A>G on the plus strand (T>C on the coding strand, the complement: SCN1A is on the minus strand). VCF-style: chr2-166002524-A-G. GRCh37 (hg19) VCF-style: chr2-166859034-A-G.
Other names: c.4148T>C, p.Val1383Ala (NM_001165964.3, NM_001353957.2, NM_001353958.2); c.4232T>C, p.Val1411Ala (NM_001202435.3, NM_001353948.2); c.4199T>C, p.Val1400Ala (NM_001353949.2, NM_001353950.2, NM_001353951.2 and 2 more transcripts); c.4232T>C (NM_001165963.1); c.4196T>C, p.Val1399Ala (NM_001353954.2, NM_001353955.2); c.4145T>C, p.Val1382Ala (NM_001353960.2); c.1790T>C, p.Val597Ala (NM_001353961.2); short protein forms V1382A, V597A, V1400A, V1383A, V1399A, V1411A.
Identifiers: ClinVar variation 2869348 (VCV002869348.4), dbSNP rs2468434194, ClinGen allele CA349049972.